The following is an entry in ClinVar:

ClinVar aggregate classification (germline): Uncertain significance (1 of 4 stars; one submission).

Allele frequency attached by ClinVar (database versions not stated): ExAC 0.00002; gnomAD exomes 0.00003; gnomAD 0.00005; TOPMed 0.00007; ESP Exome Variant Server 0.00015.
gnomAD v4.1: 57 of 1,612,508 alleles (0.0035%); highest among the groups gnomAD compares: Middle Eastern, 0.017%; no homozygotes.

Submission:

Labcorp Genetics (formerly Invitae), Labcorp
Classification: Uncertain significance. Last evaluated: 2022-06-09. Review status: criteria provided, single submitter. Criteria: Invitae Variant Classification Sherloc (09022015). Collection method: clinical testing. Allele origin: germline.
Comment: In summary, the available evidence is currently insufficient to determine the role of this variant in disease. Therefore, it has been classified as a Variant of Uncertain Significance. Algorithms developed to predict the effect of missense changes on protein structure and function are either unavailable or do not agree on the potential impact of this missense change (SIFT: "Deleterious"; PolyPhen-2: "Benign"; Align-GVGD: "Class C0"). This variant has not been reported in the literature in individuals affected with SLC24A5-related conditions. This variant is present in population databases (rs374686603, gnomAD 0.004%). This sequence change replaces alanine, which is neutral and non-polar, with threonine, which is neutral and polar, at codon 347 of the SLC24A5 protein (p.Ala347Thr).

NM_205850.3(SLC24A5):c.1039G>A (p.Ala347Thr)

Genes: MYEF2 (myelin expression factor 2; minus strand), SLC24A5 (solute carrier family 24 member 5; plus strand). Cytogenetic location: 15q21.1.
Variant type: single nucleotide variant.
Coding change: c.1039G>A on transcript NM_205850.3 (MANE Select); coding-DNA position 1039, G replaced by A.
Protein change: p.Ala347Thr; replaces alanine 347 with threonine.
Molecular consequence: missense variant. On other transcripts: 3 prime UTR variant (2).
Genome position (GRCh38, 1-based): chr15:48,139,136, G>A. VCF-style: chr15-48139136-G-A. GRCh37 (hg19) VCF-style: chr15-48431333-G-A.
Other names: c.*3772C>T (NM_001301210.2, NM_016132.5); short protein forms A347T.
Identifiers: ClinVar variation 2049477 (VCV002049477.2), dbSNP rs374686603, ClinGen allele CA7546031.